The following is an entry in ClinVar:

NM_003482.4(KMT2D):c.14632C>T (p.Leu4878Phe)

Gene: KMT2D (lysine methyltransferase 2D; minus strand). Cytogenetic location: 12q13.12.
Variant type: single nucleotide variant.
Coding change: c.14632C>T on transcript NM_003482.4 (MANE Select); coding-DNA position 14632, C replaced by T.
Protein change: p.Leu4878Phe; replaces leucine 4878 with phenylalanine.
Molecular consequence: missense variant.
Genome position (GRCh38, 1-based): chr12:49,027,814, G>A on the plus strand (C>T on the coding strand, the complement: KMT2D is on the minus strand). VCF-style: chr12-49027814-G-A. GRCh37 (hg19) VCF-style: chr12-49421597-G-A.
Other names: short protein forms L4878F.
Identifiers: ClinVar variation 3361949 (VCV003361949.1).

ClinVar aggregate classification (germline): Uncertain significance (1 of 4 stars; one submission).

gnomAD v4.1: 5 of 1,568,996 alleles (0.00032%); highest among the groups gnomAD compares: African/African-American, 0.0068%; no homozygotes.

Submission:

GeneDx
Classification: Uncertain significance. Last evaluated: 2023-05-23. Review status: criteria provided, single submitter. Criteria: GeneDx Variant Classification Process June 2021. Collection method: clinical testing. Allele origin: germline. Affected: yes.
Comment: Not observed at significant frequency in large population cohorts (gnomAD); In silico analysis supports that this missense variant does not alter protein structure/function; Has not been previously published as pathogenic or benign to our knowledge